The following is an entry in ClinVar:

ClinVar aggregate classification (germline): Benign/Likely benign. Review status: criteria provided, multiple submitters, no conflicts (2 of 4 stars). 3 submissions from 3 submitters: Benign (1); Likely benign (2). Last evaluated 2026-06-26.

Conditions:
Hereditary cancer-predisposing syndrome. Also called: Hereditary Cancer Syndrome; Tumor predisposition; Neoplastic Syndromes, Hereditary; Hereditary neoplastic syndrome. Identifiers: Orphanet 140162, MedGen C0027672, MeSH D009386, MONDO:0015356.
Tuberous sclerosis 2 (TSC2). Identifiers: Orphanet 805, MedGen C1860707, MONDO:0013199, OMIM 613254.

gnomAD v4.1: 1 of 1,585,520 alleles (0.000063%); highest among the groups gnomAD compares: Admixed American, 0.0018%; no homozygotes.

Submissions (3):

Ambry Genetics
Classification: Likely benign for Hereditary cancer-predisposing syndrome. Last evaluated: 2026-06-26. Review status: criteria provided, single submitter. Criteria: Ambry Variant Classification Scheme 2023. Collection method: clinical testing. Allele origin: germline.

Labcorp Genetics (formerly Invitae), Labcorp
Classification: Likely benign for Tuberous sclerosis 2. Last evaluated: 2025-12-19. Review status: criteria provided, single submitter. Criteria: Invitae Variant Classification Sherloc (09022015). Collection method: clinical testing. Allele origin: germline.

Myriad Genetics, Inc.
Classification: Benign for Tuberous sclerosis 2. Last evaluated: 2025-05-02. Review status: criteria provided, single submitter. Criteria: Myriad Autosomal Dominant, Autosomal Recessive and X-Linked Classification Criteria (2023). Collection method: clinical testing. Allele origin: unknown.
Comment: This variant is considered benign. This variant is a silent/synonymous amino acid change and it is not expected to impact splicing.

NM_000548.5(TSC2):c.300G>T (p.Ala100=)

Gene: TSC2 (TSC complex subunit 2; plus strand). Cytogenetic location: 16p13.3.
Variant type: single nucleotide variant.
Coding change: c.300G>T on transcript NM_000548.5 (MANE Select); coding-DNA position 300, G replaced by T.
Protein change: p.Ala100=; no amino-acid change (alanine 100 retained).
Molecular consequence: synonymous variant. On other transcripts: intron variant (2).
Genome position (GRCh38, 1-based): chr16:2,053,416, G>T. VCF-style: chr16-2053416-G-T. GRCh37 (hg19) VCF-style: chr16-2103417-G-T.
Other names: c.300G>T, p.Ala100= (NM_001363528.2, NM_001370404.1, NM_001370405.1 and 3 more transcripts); c.226-880G>T (NM_001318827.2); c.-1-2780G>T (NM_001318831.2); c.153G>T, p.Ala51= (NM_001318829.2); c.333G>T, p.Ala111= (NM_001318832.2); c.300G>T (NM_000548.3).
Identifiers: ClinVar variation 1545043 (VCV001545043.10), dbSNP rs45517100, ClinGen allele CA492955243.